The following is an entry in ClinVar:

ClinVar aggregate classification (germline): Uncertain significance (1 of 4 stars; one submission).

Conditions:
Joubert syndrome. Also called: CEREBELLOPARENCHYMAL DISORDER IV; JOUBERT-BOLTSHAUSER SYNDROME; Familial aplasia of the vermis. Identifiers: Orphanet 475, MedGen C5979921, MONDO:0018772.
Meckel-Gruber syndrome. Also called: DYSENCEPHALIA SPLANCHNOCYSTICA; GRUBER SYNDROME; Dysencephalia splachnocystica. Identifiers: Orphanet 564, MedGen C0265215, MONDO:0018921.

Submission:

Labcorp Genetics (formerly Invitae), Labcorp
Classification: Uncertain significance for Joubert syndrome; Meckel-Gruber syndrome. Last evaluated: 2022-03-26. Review status: criteria provided, single submitter. Criteria: Invitae Variant Classification Sherloc (09022015). Collection method: clinical testing. Allele origin: germline.
Comment: This sequence change replaces leucine, which is neutral and non-polar, with methionine, which is neutral and non-polar, at codon 236 of the RPGRIP1L protein (p.Leu236Met). This variant is not present in population databases (gnomAD no frequency). This variant has not been reported in the literature in individuals affected with RPGRIP1L-related conditions. Algorithms developed to predict the effect of missense changes on protein structure and function output the following: SIFT: "Tolerated"; PolyPhen-2: "Benign"; Align-GVGD: "Class C0". The methionine amino acid residue is found in multiple mammalian species, which suggests that this missense change does not adversely affect protein function. In summary, the available evidence is currently insufficient to determine the role of this variant in disease. Therefore, it has been classified as a Variant of Uncertain Significance.

NM_015272.5(RPGRIP1L):c.706T>A (p.Leu236Met)

Gene: RPGRIP1L (RPGRIP1 like; minus strand). Cytogenetic location: 16q12.2.
Variant type: single nucleotide variant.
Coding change: c.706T>A on transcript NM_015272.5 (MANE Select); coding-DNA position 706, T replaced by A.
Protein change: p.Leu236Met; replaces leucine 236 with methionine.
Molecular consequence: missense variant.
Genome position (GRCh38, 1-based): chr16:53,686,503, A>T on the plus strand (T>A on the coding strand, the complement: RPGRIP1L is on the minus strand). VCF-style: chr16-53686503-A-T. GRCh37 (hg19) VCF-style: chr16-53720415-A-T.
Other names: c.706T>A, p.Leu236Met (NM_001127897.4, NM_001308334.3, NM_001330538.2); short protein forms L236M.
Identifiers: ClinVar variation 2117202 (VCV002117202.4), dbSNP rs1266143274, ClinGen allele CA395923883.